The following is an entry in ClinVar:

NM_001378120.1(MBD5):c.2237C>G (p.Ser746Cys)

Gene: MBD5 (methyl-CpG binding domain protein 5; plus strand). Cytogenetic location: 2q23.1.
Variant type: single nucleotide variant.
Coding change: c.2237C>G on transcript NM_001378120.1 (MANE Select); coding-DNA position 2237, C replaced by G.
Protein change: p.Ser746Cys; replaces serine 746 with cysteine.
Molecular consequence: missense variant.
Genome position (GRCh38, 1-based): chr2:148,470,180, C>G. VCF-style: chr2-148470180-C-G. GRCh37 (hg19) VCF-style: chr2-149227749-C-G.
Other names: c.2237C>G, p.Ser746Cys (NM_018328.5); short protein forms S746C.
Identifiers: ClinVar variation 1342545 (VCV001342545.4), dbSNP rs2105641052, ClinGen allele CA348721420.

ClinVar aggregate classification (germline): Uncertain significance. Review status: criteria provided, multiple submitters, no conflicts (2 of 4 stars). 2 submissions from 2 submitters: Uncertain significance (2). Last evaluated 2023-07-09.

Conditions:
Intellectual developmental disorder, autosomal dominant 1. Also called: Intellectual disability, autosomal dominant 1; MBD5 Haploinsufficiency. Identifiers: Orphanet 228402, MedGen C1969562, MONDO:0007974, OMIM 156200.

Submissions (2):

Labcorp Genetics (formerly Invitae), Labcorp
Classification: Uncertain significance for Intellectual developmental disorder, autosomal dominant 1. Last evaluated: 2023-07-09. Review status: criteria provided, single submitter. Criteria: Invitae Variant Classification Sherloc (09022015). Collection method: clinical testing. Allele origin: germline.
Comment: This sequence change replaces serine, which is neutral and polar, with cysteine, which is neutral and slightly polar, at codon 746 of the MBD5 protein (p.Ser746Cys). In summary, the available evidence is currently insufficient to determine the role of this variant in disease. Therefore, it has been classified as a Variant of Uncertain Significance. Advanced modeling of protein sequence and biophysical properties (such as structural, functional, and spatial information, amino acid conservation, physicochemical variation, residue mobility, and thermodynamic stability) performed at Invitae indicates that this missense variant is not expected to disrupt MBD5 protein function. ClinVar contains an entry for this variant (Variation ID: 1342545). This variant has not been reported in the literature in individuals affected with MBD5-related conditions. This variant is not present in population databases (gnomAD no frequency).

New York Genome Center
Classification: Uncertain significance for Intellectual developmental disorder, autosomal dominant 1. Last evaluated: 2021-03-26. Review status: criteria provided, single submitter. Criteria: NYGC Assertion Criteria 2020. Collection method: clinical testing. Allele origin: inherited. Observed: 1 heterozygote. Study: CSER-NYCKidSeq.